The following is an entry in ClinVar:

NM_012082.4(ZFPM2):c.74A>G (p.Glu25Gly)

Gene: ZFPM2 (zinc finger protein, FOG family member 2; plus strand). Cytogenetic location: 8q23.1.
Variant type: single nucleotide variant.
Coding change: c.74A>G on transcript NM_012082.4 (MANE Select); coding-DNA position 74, A replaced by G.
Protein change: p.Glu25Gly; replaces glutamic acid 25 with glycine.
Molecular consequence: missense variant. On other transcripts: 5 prime UTR variant (1), intron variant (1).
Genome position (GRCh38, 1-based): chr8:105,419,177, A>G. VCF-style: chr8-105419177-A-G. GRCh37 (hg19) VCF-style: chr8-106431405-A-G.
Other names: c.-323A>G (NM_001362837.2); c.41-25103A>G (NM_001362836.2); short protein forms E25G.
Identifiers: ClinVar variation 1058526 (VCV001058526.10), dbSNP rs371244942, ClinGen allele CA4839381.
Genomic context (GRCh38, chr8:105,419,177, plus strand): 5'-GTACAGTTTCCCTGATTCTTTTTCAAGGGCCGCTTGAAGATGCCATTGAAGATGAGGAAG[A>G]AGAATGTCCATCAGAGGAAACAGACATCATCTCCAAAGGAGACTTTCCATTGGAGGAAAG-3'
Protein context (NP_036214.2, residues 15-35): PLEDAIEDEE[Glu25Gly]ECPSEETDII

ClinVar aggregate classification (germline): Conflicting classifications of pathogenicity. Review status: criteria provided, conflicting classifications (1 of 4 stars). 2 submissions from 2 submitters: Uncertain significance (1); Likely benign (1). Last evaluated 2026-03-01.

Conditions:
46,XY sex reversal 9 (SRXY9). Also called: 46,XY SEX REVERSAL, ZFPM2-RELATED. Identifiers: Orphanet 251510, MedGen C4015129, MONDO:0014480, OMIM 616067.

Allele frequency attached by ClinVar (database versions not stated): gnomAD exomes 0.00002 and 0.00004; ExAC 0.00007; ESP Exome Variant Server 0.00008; gnomAD 0.00009; TOPMed 0.00012; 1000 Genomes Project 30x 0.00047; 1000 Genomes Project 0.00060.

Submissions (2):

CeGaT Center for Human Genetics Tuebingen
Classification: Likely benign. Last evaluated: 2026-03-01. Review status: criteria provided, single submitter. Criteria: CeGaT Center For Human Genetics Tuebingen Variant Classification Criteria Version 2. Collection method: clinical testing. Allele origin: germline. Affected: yes. Observed: 1 variant allele.
Comment: ZFPM2: BP4

Labcorp Genetics (formerly Invitae), Labcorp
Classification: Uncertain significance for 46,XY sex reversal 9. Last evaluated: 2021-09-01. Review status: criteria provided, single submitter. Criteria: Invitae Variant Classification Sherloc (09022015). Collection method: clinical testing. Allele origin: germline.
Comment: This sequence change replaces glutamic acid with glycine at codon 25 of the ZFPM2 protein (p.Glu25Gly). The glutamic acid residue is weakly conserved and there is a moderate physicochemical difference between glutamic acid and glycine. This variant is present in population databases (rs371244942, ExAC 0.05%), and has an allele count higher than expected for a pathogenic variant (PMID: 28166811). This variant has not been reported in the literature in individuals affected with ZFPM2-related conditions. Algorithms developed to predict the effect of missense changes on protein structure and function are either unavailable or do not agree on the potential impact of this missense change (SIFT: "Tolerated"; PolyPhen-2: "Probably Damaging"; Align-GVGD: "Class C0"). In summary, the available evidence is currently insufficient to determine the role of this variant in disease. Therefore, it has been classified as a Variant of Uncertain Significance.

Literature cited by the submitters: PubMed 28166811 (cited by Labcorp Genetics (formerly Invitae), Labcorp).